The following is an entry in ClinVar:

NM_000246.4(CIITA):c.2065G>A (p.Ala689Thr)

Gene: CIITA (class II major histocompatibility complex transactivator; plus strand). Cytogenetic location: 16p13.13.
Variant type: single nucleotide variant.
Coding change: c.2065G>A on transcript NM_000246.4 (MANE Select); coding-DNA position 2065, G replaced by A.
Protein change: p.Ala689Thr; replaces alanine 689 with threonine.
Molecular consequence: missense variant. On other transcripts: intron variant (1).
Genome position (GRCh38, 1-based): chr16:10,907,557, G>A. VCF-style: chr16-10907557-G-A. GRCh37 (hg19) VCF-style: chr16-11001414-G-A.
Other names: c.2068G>A, p.Ala690Thr (NM_001286402.1, NM_001379332.1); c.1921G>A, p.Ala641Thr (NM_001379330.1); c.1918G>A, p.Ala640Thr (NM_001379331.1); c.2065G>A, p.Ala689Thr (NM_001379333.1); c.1996G>A, p.Ala666Thr (NM_001379334.1); c.860-1426G>A (NM_001286403.2); short protein forms A640T, A641T, A666T, A689T, A690T.
Identifiers: ClinVar variation 1006521 (VCV001006521.6), dbSNP rs2039258272, ClinGen allele CA394732319.

ClinVar aggregate classification (germline): Uncertain significance (1 of 4 stars; one submission).

Conditions:
MHC class II deficiency. Also called: Bare lymphocyte syndrome 2; BLS, TYPE II. Identifiers: Orphanet 572, MedGen C5447452, MONDO:0008855.

Allele frequency attached by ClinVar (database versions not stated): gnomAD exomes below 0.00001; TOPMed below 0.00001.

Submission:

Labcorp Genetics (formerly Invitae), Labcorp
Classification: Uncertain significance for MHC class II deficiency. Last evaluated: 2021-09-01. Review status: criteria provided, single submitter. Criteria: Invitae Variant Classification Sherloc (09022015). Collection method: clinical testing. Allele origin: germline.
Comment: This sequence change replaces alanine with threonine at codon 689 of the CIITA protein (p.Ala689Thr). The alanine residue is highly conserved and there is a small physicochemical difference between alanine and threonine. This variant is not present in population databases (ExAC no frequency). This variant has not been reported in the literature in individuals affected with CIITA-related conditions. Algorithms developed to predict the effect of missense changes on protein structure and function (SIFT, PolyPhen-2, Align-GVGD) all suggest that this variant is likely to be tolerated. In summary, the available evidence is currently insufficient to determine the role of this variant in disease. Therefore, it has been classified as a Variant of Uncertain Significance.